The following is an entry in ClinVar:

NM_001365480.1(CCDC88A):c.704G>C (p.Cys235Ser)

Gene: CCDC88A (coiled-coil and HOOK domain protein 88A; minus strand). Cytogenetic location: 2p16.1.
Variant type: single nucleotide variant.
Coding change: c.704G>C on transcript NM_001365480.1 (MANE Select); coding-DNA position 704, G replaced by C.
Protein change: p.Cys235Ser; replaces cysteine 235 with serine.
Molecular consequence: missense variant.
Genome position (GRCh38, 1-based): chr2:55,355,675, C>G on the plus strand (G>C on the coding strand, the complement: CCDC88A is on the minus strand). VCF-style: chr2-55355675-C-G. GRCh37 (hg19) VCF-style: chr2-55582811-C-G.
Other names: c.704G>C, p.Cys235Ser (NM_001135597.2, NM_001254943.2, NM_018084.5); short protein forms C235S.
Identifiers: ClinVar variation 1487859 (VCV001487859.8), dbSNP rs2104763386, ClinGen allele CA346909962.
Genomic context (GRCh38, chr2:55,355,675, plus strand): 5'-TCTGCCAGTTCCACCGACAGATGTTGTCGACTTTCTGTTCGCTTCATGCCTGGAGAACCA[C>G]AGGGTGACTGTGCAGATGAAGAGGCATGGGGTAGAAAATGGAGACCATCCCGCTCTTCAG-3'
Protein context (NP_001352409.1, residues 225-245): PHASSSAQSP[Cys235Ser]GSPGMKRTES

ClinVar aggregate classification (germline): Uncertain significance (1 of 4 stars; one submission).

Submission:

Labcorp Genetics (formerly Invitae), Labcorp
Classification: Uncertain significance. Last evaluated: 2022-02-18. Review status: criteria provided, single submitter. Criteria: Invitae Variant Classification Sherloc (09022015). Collection method: clinical testing. Allele origin: germline.
Comment: This variant has not been reported in the literature in individuals affected with CCDC88A-related conditions. This variant is not present in population databases (gnomAD no frequency). This sequence change replaces cysteine, which is neutral and slightly polar, with serine, which is neutral and polar, at codon 235 of the CCDC88A protein (p.Cys235Ser). Algorithms developed to predict the effect of missense changes on protein structure and function (SIFT, PolyPhen-2, Align-GVGD) all suggest that this variant is likely to be tolerated. In summary, the available evidence is currently insufficient to determine the role of this variant in disease. Therefore, it has been classified as a Variant of Uncertain Significance.